The following is an entry in ClinVar:

NM_013275.6(ANKRD11):c.6128C>T (p.Ala2043Val)

Gene: ANKRD11 (ankyrin repeat domain containing 11; minus strand). Cytogenetic location: 16q24.3.
Variant type: single nucleotide variant.
Coding change: c.6128C>T on transcript NM_013275.6 (MANE Select); coding-DNA position 6128, C replaced by T.
Protein change: p.Ala2043Val; replaces alanine 2043 with valine.
Molecular consequence: missense variant.
Genome position (GRCh38, 1-based): chr16:89,280,414, G>A on the plus strand (C>T on the coding strand, the complement: ANKRD11 is on the minus strand). VCF-style: chr16-89280414-G-A. GRCh37 (hg19) VCF-style: chr16-89346822-G-A.
Other names: c.6128C>T, p.Ala2043Val (NM_001256182.2, NM_001256183.2); short protein forms A2043V.
Identifiers: ClinVar variation 1327819 (VCV001327819.2), dbSNP rs1253174351, ClinGen allele CA397152023.

ClinVar aggregate classification (germline): Uncertain significance (1 of 4 stars; one submission).

Allele frequency attached by ClinVar (database versions not stated): gnomAD 0.00001; TOPMed 0.00001.
gnomAD v4.1: 2 of 1,565,162 alleles (0.00013%); highest among the groups gnomAD compares: Non-Finnish European, 0.00017%; no homozygotes.

Submission:

GeneDx
Classification: Uncertain significance. Last evaluated: 2021-06-09. Review status: criteria provided, single submitter. Criteria: GeneDx Variant Classification Process June 2021. Collection method: clinical testing. Allele origin: germline. Affected: yes.
Comment: Has not been previously published as pathogenic or benign to our knowledge; Not observed at significant frequency in large population cohorts (Lek et al., 2016); In silico analysis supports that this missense variant does not alter protein structure/function; This variant is associated with the following publications: (PMID: 27535533)